The following is an entry in ClinVar:

NM_178140.4(PDZD2):c.6408C>G (p.Val2136=)

Gene: PDZD2 (PDZ domain containing 2; plus strand). Cytogenetic location: 5p13.3.
Variant type: single nucleotide variant.
Coding change: c.6408C>G on transcript NM_178140.4 (MANE Select); coding-DNA position 6408, C replaced by G.
Protein change: p.Val2136=; no amino-acid change (valine 2136 retained).
Molecular consequence: synonymous variant.
Genome position (GRCh38, 1-based): chr5:32,089,856, C>G. VCF-style: chr5-32089856-C-G. GRCh37 (hg19) VCF-style: chr5-32089962-C-G.
Identifiers: ClinVar variation 3043646 (VCV003043646.2), dbSNP rs576489739, ClinGen allele CA3220120.

ClinVar aggregate classification (germline): Likely benign (0 of 4 stars; one submission).

Conditions:
PDZD2-related disorder. Also called: PDZD2-related condition.

Allele frequency attached by ClinVar (database versions not stated): 1000 Genomes Project 0.00020; 1000 Genomes Project 30x 0.00031.
gnomAD v4.1: 17 of 1,613,064 alleles (0.0011%); highest among the groups gnomAD compares: Admixed American, 0.0033%; no homozygotes.

Submission:

PreventionGenetics, part of Exact Sciences
Classification: Likely benign for PDZD2-related condition. Last evaluated: 2019-06-06. Review status: no assertion criteria provided. Collection method: clinical testing. Allele origin: germline.
Comment: This variant is classified as likely benign based on ACMG/AMP sequence variant interpretation guidelines (Richards et al. 2015 PMID: 25741868, with internal and published modifications).